The following is an entry in ClinVar:

NM_144643.4(SCLT1):c.118G>A (p.Gly40Arg)

Gene: SCLT1 (sodium channel and clathrin linker 1; minus strand). Cytogenetic location: 4q28.2.
Variant type: single nucleotide variant.
Coding change: c.118G>A on transcript NM_144643.4 (MANE Select); coding-DNA position 118, G replaced by A.
Protein change: p.Gly40Arg; replaces glycine 40 with arginine.
Molecular consequence: missense variant.
Genome position (GRCh38, 1-based): chr4:129,044,036, C>T on the plus strand (G>A on the coding strand, the complement: SCLT1 is on the minus strand). VCF-style: chr4-129044036-C-T. GRCh37 (hg19) VCF-style: chr4-129965191-C-T.
Other names: c.118G>A, p.Gly40Arg (NM_001300897.2, NM_001300898.2, NM_001410807.1); short protein forms G40R.
Identifiers: ClinVar variation 1971744 (VCV001971744.3), dbSNP rs1284648341, ClinGen allele CA358187926.

ClinVar aggregate classification (germline): Uncertain significance (1 of 4 stars; one submission).

Allele frequency attached by ClinVar (database versions not stated): gnomAD exomes below 0.00001.
gnomAD v4.1: 4 of 1,567,854 alleles (0.00026%); highest among the groups gnomAD compares: Non-Finnish European, 0.00026%; no homozygotes.

Submission:

Labcorp Genetics (formerly Invitae), Labcorp
Classification: Uncertain significance. Last evaluated: 2022-04-28. Review status: criteria provided, single submitter. Criteria: Invitae Variant Classification Sherloc (09022015). Collection method: clinical testing. Allele origin: germline.
Comment: The frequency data for this variant in the population databases is considered unreliable, as metrics indicate poor data quality at this position in the gnomAD database. This variant has not been reported in the literature in individuals affected with SCLT1-related conditions. Algorithms developed to predict the effect of missense changes on protein structure and function output the following: SIFT: "Deleterious"; PolyPhen-2: "Possibly Damaging"; Align-GVGD: "Class C0". The arginine amino acid residue is found in multiple mammalian species, which suggests that this missense change does not adversely affect protein function. In summary, the available evidence is currently insufficient to determine the role of this variant in disease. Therefore, it has been classified as a Variant of Uncertain Significance. This sequence change replaces glycine, which is neutral and non-polar, with arginine, which is basic and polar, at codon 40 of the SCLT1 protein (p.Gly40Arg).